The following is an entry in ClinVar:

ClinVar aggregate classification (germline): Benign/Likely benign. Review status: criteria provided, single submitter (1 of 4 stars). 3 submissions from 1 submitter: Benign (2); Likely benign (1). Last evaluated 2018-01-12.

Conditions:
Myhre syndrome (MYHRS). Also called: LARYNGOTRACHEAL STENOSIS, ARTHROPATHY, PROGNATHISM, AND SHORT STATURE; LAPS SYNDROME. Identifiers: Orphanet 2588, MedGen C0796081, MONDO:0007688, OMIM 139210.
Generalized juvenile polyposis/juvenile polyposis coli. Also called: Juvenile polyposis coli. Identifiers: Orphanet 329971, MedGen C1868081, MONDO:0008276.
Juvenile polyposis/hereditary hemorrhagic telangiectasia syndrome (JPHT). Also called: JP/HHT SYNDROME; JUVENILE POLYPOSIS WITH HEREDITARY HEMORRHAGIC TELANGIECTASIA; POLYPOSIS, GENERALIZED JUVENILE, WITH PULMONARY ARTERIOVENOUS MALFORMATION; TELANGIECTASIA, HEREDITARY HEMORRHAGIC, WITH JUVENILE POLYPOSIS COLI; Juvenile Polyposis Syndrome / Hereditary Hemorrhagic Telangiectasia (JPS/HHT). Identifiers: Orphanet 2929, MedGen C1832942, MONDO:0008278, OMIM 175050.

Allele frequency attached by ClinVar (database versions not stated): gnomAD exomes 0.00006; 1000 Genomes Project 0.00040; gnomAD 0.00044 and 0.00050; 1000 Genomes Project 30x 0.00047; TOPMed 0.00060.
gnomAD v4.1: 71 of 228,806 alleles (0.031%); highest among the groups gnomAD compares: African/African-American, 0.15%; no homozygotes.

Submissions (3):

Illumina Laboratory Services, Illumina
Classification: Benign for Juvenile polyposis syndrome. Last evaluated: 2018-01-12. Review status: criteria provided, single submitter. Criteria: ICSL Variant Classification Criteria 13 December 2019. Collection method: clinical testing. Allele origin: germline.
Comment: This variant was observed in the ICSL laboratory as part of a predisposition screen in an ostensibly healthy population. It had not been previously curated by ICSL or reported in the Human Gene Mutation Database (HGMD: prior to June 1st, 2018), and was therefore a candidate for classification through an automated scoring system. Utilizing variant allele frequency, disease prevalence and penetrance estimates, and inheritance mode, an automated score was calculated to assess if this variant is too frequent to cause the disease. Based on the score and internal cut-off values, a variant classified as benign is not then subjected to further curation. The score for this variant resulted in a classification of benign for this disease.

Illumina Laboratory Services, Illumina
Classification: Benign for Myhre syndrome. Last evaluated: 2018-01-12. Review status: criteria provided, single submitter. Criteria: ICSL Variant Classification Criteria 13 December 2019. Collection method: clinical testing. Allele origin: germline.
Comment: the same text as in the submission from Illumina Laboratory Services, Illumina above.

Illumina Laboratory Services, Illumina
Classification: Likely benign for Juvenile polyposis/hereditary hemorrhagic telangiectasia syndrome. Last evaluated: 2018-01-12. Review status: criteria provided, single submitter. Criteria: ICSL Variant Classification Criteria 13 December 2019. Collection method: clinical testing. Allele origin: germline.
Comment: This variant was observed in the ICSL laboratory as part of a predisposition screen in an ostensibly healthy population. It had not been previously curated by ICSL or reported in the Human Gene Mutation Database (HGMD: prior to June 1st, 2018), and was therefore a candidate for classification through an automated scoring system. Utilizing variant allele frequency, disease prevalence and penetrance estimates, and inheritance mode, an automated score was calculated to assess if this variant is too frequent to cause the disease. Based on the score and internal cut-off values, a variant classified as likely benign is not then subjected to further curation. The score for this variant resulted in a classification of likely benign for this disease.

NM_005359.6(SMAD4):c.*4378T>G

Gene: SMAD4 (SMAD family member 4; plus strand). Cytogenetic location: 18q21.2.
Variant type: single nucleotide variant.
Coding change: c.*4378T>G on transcript NM_005359.6 (MANE Select); 4378 bases downstream of the stop codon, T replaced by G.
Molecular consequence: 3 prime UTR variant.
Genome position (GRCh38, 1-based): chr18:51,082,845, T>G. VCF-style: chr18-51082845-T-G. GRCh37 (hg19) VCF-style: chr18-48609215-T-G.
Identifiers: ClinVar variation 327163 (VCV000327163.5), dbSNP rs540039847, ClinGen allele CA10651778.